The following is an entry in ClinVar:

NM_006206.6(PDGFRA):c.3237C>A (p.Asp1079Glu)

Gene: PDGFRA (platelet derived growth factor receptor alpha; plus strand). Cytogenetic location: 4q12.
Variant type: single nucleotide variant.
Coding change: c.3237C>A on transcript NM_006206.6 (MANE Select); coding-DNA position 3237, C replaced by A.
Protein change: p.Asp1079Glu; replaces aspartic acid 1079 with glutamic acid.
Molecular consequence: missense variant.
Genome position (GRCh38, 1-based): chr4:54,295,239, C>A. VCF-style: chr4-54295239-C-A. GRCh37 (hg19) VCF-style: chr4-55161406-C-A.
Other names: c.3312C>A, p.Asp1104Glu (NM_001347828.2); c.3237C>A, p.Asp1079Glu (NM_001347829.2); c.3276C>A, p.Asp1092Glu (NM_001347830.2); short protein forms D1079E, D1092E, D1104E.
Identifiers: ClinVar variation 1019501 (VCV001019501.11), dbSNP rs758298020, ClinGen allele CA356896695.

ClinVar aggregate classification (germline): Uncertain significance. Review status: criteria provided, multiple submitters, no conflicts (2 of 4 stars). 2 submissions from 2 submitters: Uncertain significance (2). Last evaluated 2024-03-29.

Conditions:
Polyps, multiple and recurrent inflammatory fibroid, gastrointestinal. Identifiers: MedGen C5193005, MONDO:0008285, OMIM 175510.
Gastrointestinal stromal tumor. Also called: Gastrointestinal stromal tumor, somatic; Gastrointestinal stroma tumor. Identifiers: Orphanet 44890, MedGen C0238198, MeSH D046152, MONDO:0011719, OMIM 606764, HP:0100723.

Submissions (2):

Baylor Genetics
Classification: Uncertain significance for Polyps, multiple and recurrent inflammatory fibroid, gastrointestinal. Last evaluated: 2024-03-29. Review status: criteria provided, single submitter. Criteria: ACMG Guidelines, 2015. Collection method: clinical testing. Allele origin: unknown.

Labcorp Genetics (formerly Invitae), Labcorp
Classification: Uncertain significance for Gastrointestinal stromal tumor. Last evaluated: 2024-02-03. Review status: criteria provided, single submitter. Criteria: Invitae Variant Classification Sherloc (09022015). Collection method: clinical testing. Allele origin: germline.
Comment: This sequence change replaces aspartic acid, which is acidic and polar, with glutamic acid, which is acidic and polar, at codon 1079 of the PDGFRA protein (p.Asp1079Glu). This variant is not present in population databases (gnomAD no frequency). This variant has not been reported in the literature in individuals affected with PDGFRA-related conditions. ClinVar contains an entry for this variant (Variation ID: 1019501). An algorithm developed to predict the effect of missense changes on protein structure and function (PolyPhen-2) suggests that this variant is likely to be tolerated. In summary, the available evidence is currently insufficient to determine the role of this variant in disease. Therefore, it has been classified as a Variant of Uncertain Significance.